The following is an entry in ClinVar:

ClinVar aggregate classification (germline): Uncertain significance (1 of 4 stars; one submission).

gnomAD v4.1: 9 of 1,588,146 alleles (0.00057%); highest among the groups gnomAD compares: African/African-American, 0.0028%; no homozygotes.

Submission:

Labcorp Genetics (formerly Invitae), Labcorp
Classification: Uncertain significance. Last evaluated: 2024-08-27. Review status: criteria provided, single submitter. Criteria: Invitae Variant Classification Sherloc (09022015). Collection method: clinical testing. Allele origin: germline.
Comment: This sequence change replaces glutamic acid, which is acidic and polar, with aspartic acid, which is acidic and polar, at codon 2 of the ABRAXAS1 protein (p.Glu2Asp). The frequency data for this variant in the population databases is considered unreliable, as metrics indicate poor data quality at this position in the gnomAD database. This variant has not been reported in the literature in individuals affected with ABRAXAS1-related conditions. An algorithm developed to predict the effect of missense changes on protein structure and function (PolyPhen-2) suggests that this variant is likely to be disruptive. In summary, the available evidence is currently insufficient to determine the role of this variant in disease. Therefore, it has been classified as a Variant of Uncertain Significance.

NM_139076.3(ABRAXAS1):c.6G>T (p.Glu2Asp)

Genes: ABRAXAS1 (abraxas 1, BRCA1 A complex subunit; minus strand), LOC129992784 (ATAC-STARR-seq lymphoblastoid silent region 15542; plus strand). Cytogenetic location: 4q21.23.
Variant type: single nucleotide variant.
Coding change: c.6G>T on transcript NM_139076.3 (MANE Select); coding-DNA position 6, G replaced by T.
Protein change: p.Glu2Asp; replaces glutamic acid 2 with aspartic acid.
Molecular consequence: missense variant. On other transcripts: 5 prime UTR variant (1).
Genome position (GRCh38, 1-based): chr4:83,485,067, C>A on the plus strand (G>T on the coding strand, the complement: ABRAXAS1 is on the minus strand). VCF-style: chr4-83485067-C-A. GRCh37 (hg19) VCF-style: chr4-84406220-C-A.
Other names: c.-255G>T (NM_001345962.2); short protein forms E2D.
Identifiers: ClinVar variation 3631410 (VCV003631410.2).